The following is an entry in ClinVar:

NM_006593.4(TBR1):c.2035dup (p.Tyr679fs)

Gene: TBR1 (T-box brain transcription factor 1; plus strand). Cytogenetic location: 2q24.2.
Variant type: Duplication.
Coding change: c.2035dup on transcript NM_006593.4 (MANE Select); coding-DNA position 2035, one base duplicated (T; older notation c.2035dupT).
Protein change: p.Tyr679fs; shifts the reading frame from tyrosine 679.
Molecular consequence: frameshift variant.
Genome position (GRCh38, 1-based): chr2:161,424,213, T duplicated. VCF-style (leftmost placement, unchanged base first): chr2-161424212-C-CT. GRCh37 (hg19) VCF-style: chr2-162280723-C-CT.
Other names: short protein forms Y679fs.
Identifiers: ClinVar variation 4886462 (VCV004886462.2).

ClinVar aggregate classification (germline): Likely pathogenic (1 of 4 stars; one submission).

Submission:

Dasa
Classification: Likely pathogenic. Last evaluated: 2026-02-06. Review status: criteria provided, single submitter. Criteria: DASA Assertion Criteria. Collection method: clinical testing. Allele origin: germline.
Comment: NM_006593.4(TBR1):c.2035dup (p.Tyr679Leufs*80) is a frameshift variant in TBR1 predicted to alter the reading frame and introduce a premature termination codon and is predicted to result in an absent or altered protein product. Loss of function is an established disease mechanism for TBR1 (PMID: 24458984; PMID: 25849321; PMID: 23160955). De novo occurrence has been reported in an individual with TBR1-related disorders. Also, this variant is absent from population databases. Based on the currently available evidence, this variant is classified as likely pathogenic.

Literature cited by the submitters: PubMed 24458984; PubMed 25849321; PubMed 23160955.